The following is an entry in ClinVar:

ClinVar aggregate classification (germline): Uncertain significance (1 of 4 stars; one submission).

Conditions:
Hereditary hyperekplexia. Identifiers: Orphanet 3197, MedGen C4084968, MONDO:0021022.

Allele frequency attached by ClinVar (database versions not stated): gnomAD exomes below 0.00001; gnomAD 0.00001.

Submission:

Labcorp Genetics (formerly Invitae), Labcorp
Classification: Uncertain significance for Hereditary hyperekplexia. Last evaluated: 2022-04-12. Review status: criteria provided, single submitter. Criteria: Invitae Variant Classification Sherloc (09022015). Collection method: clinical testing. Allele origin: germline.
Comment: This sequence change replaces threonine, which is neutral and polar, with alanine, which is neutral and non-polar, at codon 14 of the GLRA1 protein (p.Thr14Ala). This variant is not present in population databases (gnomAD no frequency). This variant has not been reported in the literature in individuals affected with GLRA1-related conditions. Advanced modeling of protein sequence and biophysical properties (such as structural, functional, and spatial information, amino acid conservation, physicochemical variation, residue mobility, and thermodynamic stability) performed at Invitae indicates that this missense variant is not expected to disrupt GLRA1 protein function. In summary, the available evidence is currently insufficient to determine the role of this variant in disease. Therefore, it has been classified as a Variant of Uncertain Significance.

NM_000171.4(GLRA1):c.40A>G (p.Thr14Ala)

Gene: GLRA1 (glycine receptor alpha 1; minus strand). Cytogenetic location: 5q33.1.
Variant type: single nucleotide variant.
Coding change: c.40A>G on transcript NM_000171.4 (MANE Select); coding-DNA position 40, A replaced by G.
Protein change: p.Thr14Ala; replaces threonine 14 with alanine.
Molecular consequence: missense variant. On other transcripts: 5 prime UTR variant (1).
Genome position (GRCh38, 1-based): chr5:151,924,510, T>C on the plus strand (A>G on the coding strand, the complement: GLRA1 is on the minus strand). VCF-style: chr5-151924510-T-C. GRCh37 (hg19) VCF-style: chr5-151304071-T-C.
Other names: c.40A>G, p.Thr14Ala (NM_001146040.2); c.-82A>G (NM_001292000.2); short protein forms T14A.
Identifiers: ClinVar variation 2122017 (VCV002122017.4), dbSNP rs1561587314, ClinGen allele CA361899963.